The following is an entry in ClinVar:

NM_015046.7(SETX):c.7724C>T (p.Pro2575Leu)

Gene: SETX (senataxin; minus strand). Cytogenetic location: 9q34.13.
Variant type: single nucleotide variant.
Coding change: c.7724C>T on transcript NM_015046.7 (MANE Select); coding-DNA position 7724, C replaced by T.
Protein change: p.Pro2575Leu; replaces proline 2575 with leucine.
Molecular consequence: missense variant.
Genome position (GRCh38, 1-based): chr9:132,264,549, G>A on the plus strand (C>T on the coding strand, the complement: SETX is on the minus strand). VCF-style: chr9-132264549-G-A. GRCh37 (hg19) VCF-style: chr9-135139936-G-A.
Other names: c.7724C>T, p.Pro2575Leu (NM_001351527.2); c.7811C>T, p.Pro2604Leu (NM_001351528.2); short protein forms P2575L, P2604L.
Identifiers: ClinVar variation 365342 (VCV000365342.45), dbSNP rs34000644, ClinGen allele CA5296347.

ClinVar aggregate classification (germline): Conflicting classifications of pathogenicity. Review status: criteria provided, conflicting classifications (1 of 4 stars). 13 submissions from 12 submitters: Uncertain significance (1); Benign (4); Likely benign (5). 3 of the submissions do not count toward it. Last evaluated 2025-12-22.

Conditions:
Hereditary spastic paraplegia. Also called: Familial spastic paraparesis. Identifiers: Orphanet 685, MedGen C0037773, MONDO:0019064. Disease mechanism: loss of function.
Spinocerebellar ataxia, autosomal recessive, with axonal neuropathy 2 (SCAN2). Also called: Ataxia-ocular apraxia-2; Ataxia with Oculomotor Apraxia Type 2; Ataxia with Oculomotor Apraxia; ATAXIA-OCULOMOTOR APRAXIA 2. Identifiers: Orphanet 64753, MedGen C1853761, MONDO:0018996, OMIM 606002.
Amyotrophic lateral sclerosis type 4 (ALS4). Also called: NEURONOPATHY, DISTAL HEREDITARY MOTOR, WITH PYRAMIDAL FEATURES; AMYOTROPHIC LATERAL SCLEROSIS 4, JUVENILE. Identifiers: Orphanet 357043, MedGen C1865409, MONDO:0011223, OMIM 602433.
Inborn genetic diseases. Identifiers: MedGen C0950123, MeSH D030342.

Allele frequency attached by ClinVar (database versions not stated): gnomAD 0.00304 and 0.00277; TOPMed 0.00305; ESP Exome Variant Server 0.00354; gnomAD exomes 0.00030 and 0.00073; ExAC 0.00086; 1000 Genomes Project 0.00200; 1000 Genomes Project 30x 0.00250.
gnomAD v4.1: 880 of 1,613,968 alleles (0.055%); highest among the groups gnomAD compares: African/African-American, 0.97%; 5 homozygotes.

Submissions (13):

Labcorp Genetics (formerly Invitae), Labcorp
Classification: Benign for Amyotrophic lateral sclerosis type 4; Spinocerebellar ataxia, autosomal recessive, with axonal neuropathy 2. Last evaluated: 2025-12-22. Review status: criteria provided, single submitter. Criteria: Invitae Variant Classification Sherloc (09022015). Collection method: clinical testing. Allele origin: germline.

CeGaT Center for Human Genetics Tuebingen
Classification: Benign. Last evaluated: 2025-07-01. Review status: criteria provided, single submitter. Criteria: CeGaT Center For Human Genetics Tuebingen Variant Classification Criteria Version 2. Collection method: clinical testing. Allele origin: germline. Affected: yes. Observed: 1 variant allele.
Comment: SETX: BS1, BS2

Athena Diagnostics
Classification: Benign. Last evaluated: 2025-05-19. Review status: criteria provided, single submitter. Criteria: Athena Diagnostics Criteria. Collection method: clinical testing. Allele origin: unknown.
Comment: The frequency of this variant in the general population is higher than would generally be expected for pathogenic variants in this gene. This variant has been seen where an alternate explanation for disease was also identified.

Blueprint Genetics
Classification: Likely benign. Last evaluated: 2024-11-25. Review status: criteria provided, single submitter. Criteria: ACMG Guidelines, 2015. Collection method: clinical testing. Allele origin: germline.

GeneDx
Classification: Likely benign. Last evaluated: 2021-05-12. Review status: criteria provided, single submitter. Criteria: GeneDx Variant Classification Process June 2021. Collection method: clinical testing. Allele origin: germline. Affected: yes.

Ambry Genetics
Classification: Likely benign for Inborn genetic diseases. Last evaluated: 2020-10-15. Review status: criteria provided, single submitter. Criteria: Ambry Variant Classification Scheme 2023. Collection method: clinical testing. Allele origin: germline.

Genome Diagnostics Laboratory, The Hospital for Sick Children
Classification: Likely benign for Hereditary spastic paraplegia. Last evaluated: 2018-12-01. Review status: criteria provided, single submitter. Criteria: ACMG Guidelines, 2015. Collection method: clinical testing. Allele origin: germline. Affected: yes.

Illumina Laboratory Services, Illumina
Classification: Likely benign for Spinocerebellar ataxia, autosomal recessive, with axonal neuropathy 2. Last evaluated: 2018-01-13. Review status: criteria provided, single submitter. Criteria: ICSL Variant Classification Criteria 13 December 2019. Collection method: clinical testing. Allele origin: germline.
Comment: This variant was observed in the ICSL laboratory as part of a predisposition screen in an ostensibly healthy population. It had not been previously curated by ICSL or reported in the Human Gene Mutation Database (HGMD: prior to June 1st, 2018), and was therefore a candidate for classification through an automated scoring system. Utilizing variant allele frequency, disease prevalence and penetrance estimates, and inheritance mode, an automated score was calculated to assess if this variant is too frequent to cause the disease. Based on the score and internal cut-off values, a variant classified as likely benign is not then subjected to further curation. The score for this variant resulted in a classification of likely benign for this disease.

Illumina Laboratory Services, Illumina
Classification: Benign for Amyotrophic lateral sclerosis type 4. Last evaluated: 2018-01-13. Review status: criteria provided, single submitter. Criteria: ICSL Variant Classification Criteria 13 December 2019. Collection method: clinical testing. Allele origin: germline.
Comment: This variant was observed in the ICSL laboratory as part of a predisposition screen in an ostensibly healthy population. It had not been previously curated by ICSL or reported in the Human Gene Mutation Database (HGMD: prior to June 1st, 2018), and was therefore a candidate for classification through an automated scoring system. Utilizing variant allele frequency, disease prevalence and penetrance estimates, and inheritance mode, an automated score was calculated to assess if this variant is too frequent to cause the disease. Based on the score and internal cut-off values, a variant classified as benign is not then subjected to further curation. The score for this variant resulted in a classification of benign for this disease.

ARUP Laboratories, Molecular Genetics and Genomics, ARUP Laboratories
Classification: Uncertain significance. Last evaluated: 2017-01-16. Review status: criteria provided, single submitter. Criteria: ARUP Molecular Germline Variant Investigation Process. Collection method: clinical testing. Allele origin: germline.

Clinical Genetics DNA and cytogenetics Diagnostics Lab, Erasmus MC, Erasmus Medical Center
Classification: Benign. Review status: no assertion criteria provided. Collection method: clinical testing. Allele origin: germline. Affected: yes. Study: VKGL Data-share Consensus. Not counted in ClinVar's aggregate classification.

Clinical Genetics, Academic Medical Center
Classification: Likely benign. Review status: no assertion criteria provided. Collection method: clinical testing. Allele origin: germline. Affected: yes. Study: VKGL Data-share Consensus. Not counted in ClinVar's aggregate classification.

Genome Diagnostics Laboratory, University Medical Center Utrecht
Classification: Benign. Review status: no assertion criteria provided. Collection method: clinical testing. Allele origin: germline. Affected: yes. Study: VKGL Data-share Consensus. Not counted in ClinVar's aggregate classification.